The following is an entry in ClinVar:

ClinVar aggregate classification (germline): Uncertain significance. Review status: criteria provided, multiple submitters, no conflicts (2 of 4 stars). 3 submissions from 3 submitters: Uncertain significance (3). Last evaluated 2025-02-10.

Conditions:
Intellectual developmental disorder, X-linked 1. Also called: Atkin Flaitz Patil Smith syndrome; MENTAL RETARDATION, X-LINKED 18; MENTAL RETARDATION, X-LINKED 78; Intellectual disability, X-linked 1. Identifiers: Orphanet 777, MedGen C2931498, MONDO:0010656, OMIM 309530.

Submissions (3):

GeneDx
Classification: Uncertain significance. Last evaluated: 2025-02-10. Review status: criteria provided, single submitter. Criteria: GeneDx Variant Classification Process June 2021. Collection method: clinical testing. Allele origin: germline. Affected: yes.
Comment: Not observed at significant frequency in large population cohorts (gnomAD); In silico analysis supports that this missense variant has a deleterious effect on protein structure/function; Has not been previously published as pathogenic or benign to our knowledge

Dasa
Classification: Uncertain significance. Last evaluated: 2024-12-16. Review status: criteria provided, single submitter. Criteria: DASA Assertion Criteria. Collection method: clinical testing. Allele origin: germline.
Comment: NM_001111125.3(IQSEC2):c.3526C>T (p.Pro1176Ser) is a missense variant that results in the substitution of proline with serine. This variant is absent from population databases. Computational prediction algorithms are consistent with a benign effect. The currently available literature and clinical evidence are not sufficient to establish a definitive association between this variant and the reported condition. Therefore, this variant is classified as a variant of uncertain significance.

Labcorp Genetics (formerly Invitae), Labcorp
Classification: Uncertain significance for Intellectual developmental disorder, X-linked 1. Last evaluated: 2024-10-13. Review status: criteria provided, single submitter. Criteria: Invitae Variant Classification Sherloc (09022015). Collection method: clinical testing. Allele origin: germline.
Comment: This sequence change replaces proline, which is neutral and non-polar, with serine, which is neutral and polar, at codon 1176 of the IQSEC2 protein (p.Pro1176Ser). This variant is not present in population databases (gnomAD no frequency). This variant has not been reported in the literature in individuals affected with IQSEC2-related conditions. Invitae Evidence Modeling of protein sequence and biophysical properties (such as structural, functional, and spatial information, amino acid conservation, physicochemical variation, residue mobility, and thermodynamic stability) indicates that this missense variant is not expected to disrupt IQSEC2 protein function with a negative predictive value of 95%. In summary, the available evidence is currently insufficient to determine the role of this variant in disease. Therefore, it has been classified as a Variant of Uncertain Significance.

NM_001111125.3(IQSEC2):c.3526C>T (p.Pro1176Ser)

Gene: IQSEC2 (IQ motif and Sec7 domain ArfGEF 2; minus strand). Cytogenetic location: Xp11.22.
Variant type: single nucleotide variant.
Coding change: c.3526C>T on transcript NM_001111125.3 (MANE Select); coding-DNA position 3526, C replaced by T.
Protein change: p.Pro1176Ser; replaces proline 1176 with serine.
Molecular consequence: missense variant. On other transcripts: 3 prime UTR variant (2).
Genome position (GRCh38, 1-based): chrX:53,235,160, G>A on the plus strand (C>T on the coding strand, the complement: IQSEC2 is on the minus strand). VCF-style: chrX-53235160-G-A. GRCh37 (hg19) VCF-style: chrX-53264342-G-A.
Other names: c.3526C>T (NM_001111125.1); c.*11C>T (NM_001410736.1, NM_015075.2); short protein forms P1176S.
Identifiers: ClinVar variation 3680652 (VCV003680652.5).